The following is an entry in ClinVar:

ClinVar aggregate classification (germline): Uncertain significance. Review status: criteria provided, multiple submitters, no conflicts (2 of 4 stars). 3 submissions from 3 submitters: Uncertain significance (3). Last evaluated 2025-07-07.

Conditions:
Hereditary cancer-predisposing syndrome. Also called: Tumor predisposition; Neoplastic Syndromes, Hereditary; Hereditary Cancer Syndrome; Hereditary neoplastic syndrome. Identifiers: Orphanet 140162, MedGen C0027672, MeSH D009386, MONDO:0015356.
Multiple endocrine neoplasia, type 2 (MEN2). Identifiers: Orphanet 653, MedGen C4048306, MONDO:0019003. Disease mechanism: gain of function.

Allele frequency attached by ClinVar (database versions not stated): gnomAD exomes below 0.00001; gnomAD 0.00001.
gnomAD v4.1: 2 of 1,613,786 alleles (0.00012%); highest among the groups gnomAD compares: East Asian, 0.0022%; no homozygotes.

Submissions (3):

Ambry Genetics
Classification: Uncertain significance for Hereditary cancer-predisposing syndrome. Last evaluated: 2025-07-07. Review status: criteria provided, single submitter. Criteria: Ambry Variant Classification Scheme 2023. Collection method: clinical testing. Allele origin: germline.
Comment: The p.G387S variant (also known as c.1159G>A), located in coding exon 6 of the RET gene, results from a G to A substitution at nucleotide position 1159. The glycine at codon 387 is replaced by serine, an amino acid with similar properties. This amino acid position is well conserved in available vertebrate species. In addition, this alteration is predicted to be tolerated by in silico analysis. Based on the available evidence, the clinical significance of this variant remains unclear.

Labcorp Genetics (formerly Invitae), Labcorp
Classification: Uncertain significance for Multiple endocrine neoplasia, type 2. Last evaluated: 2023-09-09. Review status: criteria provided, single submitter. Criteria: Invitae Variant Classification Sherloc (09022015). Collection method: clinical testing. Allele origin: germline.
Comment: ClinVar contains an entry for this variant (Variation ID: 1896959). In summary, the available evidence is currently insufficient to determine the role of this variant in disease. Therefore, it has been classified as a Variant of Uncertain Significance. Algorithms developed to predict the effect of missense changes on protein structure and function output the following: SIFT: "Not Available"; PolyPhen-2: "Probably Damaging"; Align-GVGD: "Not Available". The serine amino acid residue is found in multiple mammalian species, which suggests that this missense change does not adversely affect protein function. This variant has not been reported in the literature in individuals affected with RET-related conditions. This variant is present in population databases (no rsID available, gnomAD 0.3%). This sequence change replaces glycine, which is neutral and non-polar, with serine, which is neutral and polar, at codon 387 of the RET protein (p.Gly387Ser).

All of Us Research Program, National Institutes of Health
Classification: Uncertain significance for Multiple endocrine neoplasia, type 2. Last evaluated: 2023-05-31. Review status: criteria provided, single submitter. Criteria: ACMG Guidelines, 2015. Collection method: clinical testing. Allele origin: germline. Inheritance: Autosomal dominant inheritance. Observed: 1 variant allele, 1 heterozygote.
Comment: This study involves interpretation of variants in research participants for the purpose of population health screening. Participant phenotype was not available at the time of variant classification. Additional details can be found in publication PMID: 35346344, PMCID: PMC8962531

NM_020975.6(RET):c.1159G>A (p.Gly387Ser)

Gene: RET (ret proto-oncogene; plus strand). Cytogenetic location: 10q11.21.
Variant type: single nucleotide variant.
Coding change: c.1159G>A on transcript NM_020975.6 (MANE Select); coding-DNA position 1159, G replaced by A.
Protein change: p.Gly387Ser; replaces glycine 387 with serine.
Molecular consequence: missense variant.
Genome position (GRCh38, 1-based): chr10:43,109,126, G>A. VCF-style: chr10-43109126-G-A. GRCh37 (hg19) VCF-style: chr10-43604574-G-A.
Other names: c.1159G>A, p.Gly387Ser (NM_000323.2, NM_001406743.1, NM_001406744.1 and 6 more transcripts); c.397G>A, p.Gly133Ser (NM_001355216.2); c.1030G>A, p.Gly344Ser (NM_001406761.1, NM_001406762.1, NM_001406764.1 and 1 more transcripts); c.871G>A, p.Gly291Ser (NM_001406766.1, NM_001406767.1, NM_001406770.1); c.721G>A, p.Gly241Ser (NM_001406771.1, NM_001406773.1); c.433G>A, p.Gly145Ser (NM_001406775.1, NM_001406776.1, NM_001406777.1 and 1 more transcripts); c.169G>A, p.Gly57Ser (NM_001406784.1); short protein forms G145S, G387S, G133S, G241S, G291S, G344S, G57S.
Identifiers: ClinVar variation 1896959 (VCV001896959.7), dbSNP rs1438440113, ClinGen allele CA376547576.
Genomic context (GRCh38, chr10:43,109,126, plus strand): 5'-AACCGCACCATGCAGCTGGCGGTGCTGGTCAATGACTCAGACTTCCAGGGCCCAGGAGCG[G>A]GCGTCCTCTTGCTCCACTTCAACGTGTCGGTGCTGCCGGTCAGCCTGCACCTGCCCAGTA-3'
Protein context (NP_066124.1, residues 377-397): NDSDFQGPGA[Gly387Ser]VLLLHFNVSV